The following is an entry in ClinVar:

NM_206933.4(USH2A):c.13193C>T (p.Ser4398Phe)

Gene: USH2A (usherin; minus strand). Cytogenetic location: 1q41.
Variant type: single nucleotide variant.
Coding change: c.13193C>T on transcript NM_206933.4 (MANE Select); coding-DNA position 13193, C replaced by T.
Protein change: p.Ser4398Phe; replaces serine 4398 with phenylalanine.
Molecular consequence: missense variant.
Genome position (GRCh38, 1-based): chr1:215,674,718, G>A on the plus strand (C>T on the coding strand, the complement: USH2A is on the minus strand). VCF-style: chr1-215674718-G-A. GRCh37 (hg19) VCF-style: chr1-215848060-G-A.
Other names: short protein forms S4398F.
Identifiers: ClinVar variation 1427724 (VCV001427724.3), dbSNP rs144200261, ClinGen allele CA1393335.

ClinVar aggregate classification (germline): Uncertain significance (1 of 4 stars; one submission).

Allele frequency attached by ClinVar (database versions not stated): ExAC 0.00002; ESP Exome Variant Server 0.00008.
gnomAD v4.1: 39 of 1,614,028 alleles (0.0024%); highest among the groups gnomAD compares: Non-Finnish European, 0.0033%; no homozygotes.

Submission:

Labcorp Genetics (formerly Invitae), Labcorp
Classification: Uncertain significance. Last evaluated: 2021-11-04. Review status: criteria provided, single submitter. Criteria: Invitae Variant Classification Sherloc (09022015). Collection method: clinical testing. Allele origin: germline.
Comment: This sequence change replaces serine, which is neutral and polar, with phenylalanine, which is neutral and non-polar, at codon 4398 of the USH2A protein (p.Ser4398Phe). This variant is present in population databases (rs144200261, gnomAD 0.002%). This variant has not been reported in the literature in individuals affected with USH2A-related conditions. Algorithms developed to predict the effect of missense changes on protein structure and function (SIFT, PolyPhen-2, Align-GVGD) all suggest that this variant is likely to be tolerated. In summary, the available evidence is currently insufficient to determine the role of this variant in disease. Therefore, it has been classified as a Variant of Uncertain Significance.